The following is an entry in ClinVar:

NM_018136.5(ASPM):c.10295T>A (p.Ile3432Asn)

Gene: ASPM (assembly factor for spindle microtubules; minus strand). Cytogenetic location: 1q31.3.
Variant type: single nucleotide variant.
Coding change: c.10295T>A on transcript NM_018136.5 (MANE Select); coding-DNA position 10295, T replaced by A.
Protein change: p.Ile3432Asn; replaces isoleucine 3432 with asparagine.
Molecular consequence: missense variant.
Genome position (GRCh38, 1-based): chr1:197,086,839, A>T on the plus strand (T>A on the coding strand, the complement: ASPM is on the minus strand). VCF-style: chr1-197086839-A-T. GRCh37 (hg19) VCF-style: chr1-197055969-A-T.
Other names: c.5540T>A, p.Ile1847Asn (NM_001206846.2); short protein forms I3432N, I1847N.
Identifiers: ClinVar variation 196037 (VCV000196037.8), dbSNP rs794727443, ClinGen allele CA242789.

ClinVar aggregate classification (germline): Uncertain significance. Review status: criteria provided, multiple submitters, no conflicts (2 of 4 stars). 3 submissions from 3 submitters: Uncertain significance (3). Last evaluated 2024-10-28.

Conditions:
Microcephaly 5, primary, autosomal recessive (MCPH5). Also called: ASPM Primary Microcephaly. Identifiers: Orphanet 2512, MedGen C1837501, MONDO:0012106, OMIM 608716.

Allele frequency attached by ClinVar (database versions not stated): gnomAD exomes 0.00001; gnomAD 0.00002; TOPMed 0.00002.
gnomAD v4.1: 20 of 1,611,490 alleles (0.0012%); highest among the groups gnomAD compares: Non-Finnish European, 0.0017%; no homozygotes.

Submissions (3):

Labcorp Genetics (formerly Invitae), Labcorp
Classification: Uncertain significance. Last evaluated: 2024-10-28. Review status: criteria provided, single submitter. Criteria: Invitae Variant Classification Sherloc (09022015). Collection method: clinical testing. Allele origin: germline.
Comment: This sequence change replaces isoleucine, which is neutral and non-polar, with asparagine, which is neutral and polar, at codon 3432 of the ASPM protein (p.Ile3432Asn). This variant is present in population databases (rs794727443, gnomAD 0.003%). This variant has not been reported in the literature in individuals affected with ASPM-related conditions. ClinVar contains an entry for this variant (Variation ID: 196037). An algorithm developed to predict the effect of missense changes on protein structure and function (PolyPhen-2) suggests that this variant is likely to be disruptive. In summary, the available evidence is currently insufficient to determine the role of this variant in disease. Therefore, it has been classified as a Variant of Uncertain Significance.

Genome-Nilou Lab
Classification: Uncertain significance for Microcephaly 5, primary, autosomal recessive. Last evaluated: 2023-04-11. Review status: criteria provided, single submitter. Criteria: ACMG Guidelines, 2015. Collection method: clinical testing. Allele origin: germline. Affected: no.

Eurofins Ntd Llc (ga)
Classification: Uncertain significance. Last evaluated: 2015-01-23. Review status: criteria provided, single submitter. Criteria: EGL Classification Definitions 2015. Collection method: clinical testing. Allele origin: germline. Observed: 1 variant allele, 1 heterozygote.